The following is an entry in ClinVar:

ClinVar aggregate classification (germline): Likely benign (0 of 4 stars; one submission).

Conditions:
SLC4A7-related disorder. Also called: SLC4A7-related condition.

Allele frequency attached by ClinVar (database versions not stated): gnomAD exomes 0.00001; TOPMed 0.00001; gnomAD 0.00003; ExAC 0.00007; 1000 Genomes Project 30x 0.00094; 1000 Genomes Project 0.00100.
gnomAD v4.1: 14 of 1,613,420 alleles (0.00087%); highest among the groups gnomAD compares: East Asian, 0.027%; 1 homozygote.

Submission:

PreventionGenetics, part of Exact Sciences
Classification: Likely benign for SLC4A7-related condition. Last evaluated: 2020-03-18. Review status: no assertion criteria provided. Collection method: clinical testing. Allele origin: germline.
Comment: This variant is classified as likely benign based on ACMG/AMP sequence variant interpretation guidelines (Richards et al. 2015 PMID: 25741868, with internal and published modifications).

NM_001321103.2(SLC4A7):c.636C>T (p.Ser212=)

Gene: SLC4A7 (solute carrier family 4 member 7; minus strand). Cytogenetic location: 3p24.1.
Variant type: single nucleotide variant.
Coding change: c.636C>T on transcript NM_001321103.2 (MANE Select); coding-DNA position 636, C replaced by T.
Protein change: p.Ser212=; no amino-acid change (serine 212 retained).
Molecular consequence: synonymous variant. On other transcripts: non-coding transcript variant (4).
Genome position (GRCh38, 1-based): chr3:27,434,058, G>A on the plus strand (C>T on the coding strand, the complement: SLC4A7 is on the minus strand). VCF-style: chr3-27434058-G-A. GRCh37 (hg19) VCF-style: chr3-27475549-G-A.
Other names: c.624C>T, p.Ser208= (NM_001258379.2, NM_001321106.2, NM_001321107.2); c.609C>T, p.Ser203= (NM_001258380.2, NM_003615.5); c.636C>T, p.Ser212= (NM_001321104.2, NM_001321105.2, NM_001321108.2).
Identifiers: ClinVar variation 3051889 (VCV003051889.2), dbSNP rs569576910, ClinGen allele CA2292179.